The following is an entry in ClinVar:

ClinVar aggregate classification (germline): Pathogenic (1 of 4 stars; one submission).

Conditions:
Vascular malformation. Also called: Vascular malformations. Identifiers: MedGen C0158570, MONDO:0024291.

Submission:

Clinical Genomics Laboratory, Washington University in St. Louis
Classification: Pathogenic for Vascular malformation. Last evaluated: 2024-11-01. Review status: criteria provided, single submitter. Criteria: Leon-Quintero et al. (Clin Genet. 2025). Collection method: clinical testing. Allele origin: somatic. Affected: yes.
Comment: A PIK3R1 c.1735delinsTTGATGTAAGTATTTGA (p.Gln579Leufs*3) variant was identified at an allelic fraction consistent with somatic origin. This variant, to our knowledge, has not been reported in the medical literature but many similar in frame and out of frame variants in this region of PIK3R1 have been reported in individuals with vascular malformations and overgrowth, as well as various types of cancer (Cottrell et al., PMID: 34040190; COSMIC database). It is absent from the general population (gnomAD v.4.1.0), indicating it is not a common variant. The PIK3R1 c.1735delinsTTGATGTAAGTATTTGA variant causes a frameshift by deleting one nucleotide and inserting 17 nucleotides, leading to a premature termination codon, which is predicted to lead to nonsense mediated decay. This variant resides within a region, the iSH2 domain, of PIK3R1 that is defined as a critical functional domain and that is enriched with pathogenic variation (Cottrell et al., PMID: 34040190; De Bortoli M et al., PMID: 38431221; Schönewolf-Greulich B et al., PMID: 35964931). Based on available information and an internally developed protocol informed by the ACMG/AMP guidelines for variant interpretation and gene-specific practices from the ClinGen Criteria Specification Registry (Leon-Quintero FZ et al., PMID: 39434542), the PIK3R1 c.1735delinsTTGATGTAAGTATTTGA (p.Gln579Leufs*3) variant is classified as pathogenic.

NM_181523.3(PIK3R1):c.1735delinsTTGATGTAAGTATTTGA (p.Gln579delinsLeuMetTer)

Gene: PIK3R1 (phosphoinositide-3-kinase regulatory subunit 1; plus strand). Cytogenetic location: 5q13.1.
Variant type: Indel.
Coding change: c.1735delinsTTGATGTAAGTATTTGA on transcript NM_181523.3 (MANE Select); coding-DNA position 1735, C replaced by TTGATGTAAGTATTTGA.
Protein change: p.Gln579delinsLeuMetTer.
Molecular consequence: nonsense.
Genome position (GRCh38, 1-based): chr5:68,295,314, C replaced by TTGATGTAAGTATTTGA. VCF-style: chr5-68295314-C-TTGATGTAAGTATTTGA. GRCh37 (hg19) VCF-style: chr5-67591142-C-TTGATGTAAGTATTTGA.
Other names: c.646delinsTTGATGTAAGTATTTGA, p.Gln216delinsLeuMetTer (NM_001242466.2); c.925delinsTTGATGTAAGTATTTGA, p.Gln309delinsLeuMetTer (NM_181504.4); c.835delinsTTGATGTAAGTATTTGA, p.Gln279delinsLeuMetTer (NM_181524.2).
Identifiers: ClinVar variation 3774503 (VCV003774503.1).
Genomic context (GRCh38, chr5:68,295,314, plus strand): 5'-ATTGACAAACGTATGAACAGCATTAAACCAGACCTTATCCAGCTGAGAAAGACGAGAGAC[C>TTGATGTAAGTATTTGA]AATACTTGATGTAAGTATTTGAAATGGAATCCTATACATGAATAATTGGTGATTGCTACA-3'